The following is an entry in ClinVar:

ClinVar aggregate classification (germline): Uncertain significance (1 of 4 stars; one submission).

Conditions:
Leigh syndrome (NULS). Also called: Leigh's necrotizing encephalopathy; Leigh's disease; Leigh Syndrome (mtDNA deletion); Leigh Disease; Subacute necrotizing encephalopathy; Necrotizing encephalopathy infantile subacute of Leigh. Identifiers: Orphanet 506, MedGen C2931891, MONDO:0009723, OMIM 256000.

Submission:

Wong Mito Lab, Molecular and Human Genetics, Baylor College of Medicine
Classification: Uncertain significance for Leigh syndrome. Last evaluated: 2019-10-17. Review status: criteria provided, single submitter. Criteria: Modified ACMG Guidelines (Unpublished). Collection method: clinical testing. Allele origin: germline.
Comment: The NC_012920.1:m.8879G>A (YP_003024031.1:p.Arg118His) variant in MTATP6 gene is interpretated to be a Uncertain Significance variant based on the modified ACMG guidelines (unpublished). This variant meets the following evidence codes: PP4

NC_012920.1(MT-ATP6):m.8879G>A

Gene: MT-ATP6 (mitochondrially encoded ATP synthase 6; plus strand).
Variant type: single nucleotide variant.
Genome position: chrM-8879-G-A.
Identifiers: ClinVar variation 693013 (VCV000693013.1), dbSNP rs1603221870, ClinGen allele CA414798675.